The following is an entry in ClinVar:

NM_182914.3(SYNE2):c.20315T>C (p.Ile6772Thr)

Gene: SYNE2 (spectrin repeat containing nuclear envelope protein 2; plus strand). Cytogenetic location: 14q23.2.
Variant type: single nucleotide variant.
Coding change: c.20315T>C on transcript NM_182914.3 (MANE Select); coding-DNA position 20315, T replaced by C.
Protein change: p.Ile6772Thr; replaces isoleucine 6772 with threonine.
Molecular consequence: missense variant.
Genome position (GRCh38, 1-based): chr14:64,223,313, T>C. VCF-style: chr14-64223313-T-C. GRCh37 (hg19) VCF-style: chr14-64690031-T-C.
Other names: c.20246T>C, p.Ile6749Thr (NM_015180.6); c.881T>C, p.Ile294Thr (NM_182910.2); c.1259T>C, p.Ile420Thr (NM_182913.4); short protein forms I6772T, I294T, I6749T, I420T.
Identifiers: ClinVar variation 647734 (VCV000647734.8), dbSNP rs1474759634, ClinGen allele CA389977185.

ClinVar aggregate classification (germline): Uncertain significance (1 of 4 stars; one submission).

Conditions:
Emery-Dreifuss muscular dystrophy 5, autosomal dominant (EDMD5). Also called: EMERY-DREIFUSS MUSCULAR DYSTROPHY 5. Identifiers: Orphanet 261, MedGen C2751805, MONDO:0013072, OMIM 612999.

Allele frequency attached by ClinVar (database versions not stated): gnomAD exomes below 0.00001; TOPMed below 0.00001; gnomAD 0.00001.
gnomAD v4.1: 3 of 1,614,084 alleles (0.00019%); highest among the groups gnomAD compares: Admixed American, 0.0017%; no homozygotes.

Submission:

Labcorp Genetics (formerly Invitae), Labcorp
Classification: Uncertain significance for Emery-Dreifuss muscular dystrophy 5, autosomal dominant. Last evaluated: 2025-04-02. Review status: criteria provided, single submitter. Criteria: Invitae Variant Classification Sherloc (09022015). Collection method: clinical testing. Allele origin: germline.
Comment: This sequence change replaces isoleucine, which is neutral and non-polar, with threonine, which is neutral and polar, at codon 6772 of the SYNE2 protein (p.Ile6772Thr). This variant is present in population databases (no rsID available, gnomAD 0.003%). This variant has not been reported in the literature in individuals affected with SYNE2-related conditions. ClinVar contains an entry for this variant (Variation ID: 647734). An algorithm developed to predict the effect of missense changes on protein structure and function (PolyPhen-2) suggests that this variant is likely to be tolerated. In summary, the available evidence is currently insufficient to determine the role of this variant in disease. Therefore, it has been classified as a Variant of Uncertain Significance.